The following is an entry in ClinVar:

NM_006063.3(KLHL41):c.581A>C (p.Glu194Ala)

Gene: KLHL41 (kelch like family member 41; plus strand). Cytogenetic location: 2q31.1.
Variant type: single nucleotide variant.
Coding change: c.581A>C on transcript NM_006063.3 (MANE Select); coding-DNA position 581, A replaced by C.
Protein change: p.Glu194Ala; replaces glutamic acid 194 with alanine.
Molecular consequence: missense variant.
Genome position (GRCh38, 1-based): chr2:169,510,359, A>C. VCF-style: chr2-169510359-A-C. GRCh37 (hg19) VCF-style: chr2-170366869-A-C.
Other names: short protein forms E194A.
Identifiers: ClinVar variation 953084 (VCV000953084.8), dbSNP rs201591782, ClinGen allele CA1956526.

ClinVar aggregate classification (germline): Uncertain significance. Review status: criteria provided, multiple submitters, no conflicts (2 of 4 stars). 2 submissions from 2 submitters: Uncertain significance (2). Last evaluated 2025-06-04.

Conditions:
Inborn genetic diseases. Identifiers: MedGen C0950123, MeSH D030342.
Nemaline myopathy 9 (NEM9). Identifiers: MedGen C3810384, MONDO:0014326, OMIM 615731.

Allele frequency attached by ClinVar (database versions not stated): gnomAD exomes 0.00001 and 0.00004; gnomAD 0.00003 and 0.00001; TOPMed 0.00003; 1000 Genomes Project 30x 0.00047; ExAC 0.00002; 1000 Genomes Project 0.00040.
gnomAD v4.1: 22 of 1,614,188 alleles (0.0014%); highest among the groups gnomAD compares: East Asian, 0.016%; no homozygotes.

Submissions (2):

Ambry Genetics
Classification: Uncertain significance for Inborn genetic diseases. Last evaluated: 2025-06-04. Review status: criteria provided, single submitter. Criteria: Ambry Variant Classification Scheme 2023. Collection method: clinical testing. Allele origin: germline.

Labcorp Genetics (formerly Invitae), Labcorp
Classification: Uncertain significance for Nemaline myopathy 9. Last evaluated: 2022-08-16. Review status: criteria provided, single submitter. Criteria: Invitae Variant Classification Sherloc (09022015). Collection method: clinical testing. Allele origin: germline.
Comment: This sequence change replaces glutamic acid, which is acidic and polar, with alanine, which is neutral and non-polar, at codon 194 of the KLHL41 protein (p.Glu194Ala). This variant is present in population databases (rs201591782, gnomAD 0.03%). This variant has not been reported in the literature in individuals affected with KLHL41-related conditions. ClinVar contains an entry for this variant (Variation ID: 953084). Algorithms developed to predict the effect of missense changes on protein structure and function (SIFT, PolyPhen-2, Align-GVGD) all suggest that this variant is likely to be disruptive. In summary, the available evidence is currently insufficient to determine the role of this variant in disease. Therefore, it has been classified as a Variant of Uncertain Significance.